The following is an entry in ClinVar:

NM_015311.3(OBSL1):c.1799G>A (p.Arg600His)

Gene: OBSL1 (obscurin like cytoskeletal adaptor 1; minus strand). Cytogenetic location: 2q35.
Variant type: single nucleotide variant.
Coding change: c.1799G>A on transcript NM_015311.3 (MANE Select); coding-DNA position 1799, G replaced by A.
Protein change: p.Arg600His; replaces arginine 600 with histidine.
Molecular consequence: missense variant.
Genome position (GRCh38, 1-based): chr2:219,567,311, C>T on the plus strand (G>A on the coding strand, the complement: OBSL1 is on the minus strand). VCF-style: chr2-219567311-C-T. GRCh37 (hg19) VCF-style: chr2-220432033-C-T.
Other names: c.1799G>A, p.Arg600His (NM_001173408.2, NM_001173431.2); short protein forms R600H.
Identifiers: ClinVar variation 1990686 (VCV001990686.2), dbSNP rs773214917, ClinGen allele CA2131426.

ClinVar aggregate classification (germline): Uncertain significance (1 of 4 stars; one submission).

Allele frequency attached by ClinVar (database versions not stated): gnomAD 0.00002; TOPMed 0.00002; ExAC 0.00003; gnomAD exomes 0.00003.

Submission:

Labcorp Genetics (formerly Invitae), Labcorp
Classification: Uncertain significance. Last evaluated: 2022-11-01. Review status: criteria provided, single submitter. Criteria: Invitae Variant Classification Sherloc (09022015). Collection method: clinical testing. Allele origin: germline.
Comment: In summary, the available evidence is currently insufficient to determine the role of this variant in disease. Therefore, it has been classified as a Variant of Uncertain Significance. Algorithms developed to predict the effect of missense changes on protein structure and function are either unavailable or do not agree on the potential impact of this missense change (SIFT: "Deleterious"; PolyPhen-2: "Possibly Damaging"; Align-GVGD: "Class C0"). This variant has not been reported in the literature in individuals affected with OBSL1-related conditions. The frequency data for this variant in the population databases is considered unreliable, as metrics indicate poor data quality at this position in the gnomAD database. This sequence change replaces arginine, which is basic and polar, with histidine, which is basic and polar, at codon 600 of the OBSL1 protein (p.Arg600His).